The following is an entry in ClinVar:

ClinVar aggregate classification (germline): Uncertain significance (1 of 4 stars; one submission).

Submission:

Labcorp Genetics (formerly Invitae), Labcorp
Classification: Uncertain significance. Last evaluated: 2025-01-10. Review status: criteria provided, single submitter. Criteria: Invitae Variant Classification Sherloc (09022015). Collection method: clinical testing. Allele origin: germline.
Comment: This sequence change falls in intron 8 of the TNNI3K gene. It does not directly change the encoded amino acid sequence of the TNNI3K protein. It affects a nucleotide within the consensus splice site. This variant is not present in population databases (gnomAD no frequency). This variant has not been reported in the literature in individuals affected with TNNI3K-related conditions. Variants that disrupt the consensus splice site are a relatively common cause of aberrant splicing (PMID: 17576681, 9536098). Algorithms developed to predict the effect of sequence changes on RNA splicing suggest that this variant may disrupt the consensus splice site. In summary, the available evidence is currently insufficient to determine the role of this variant in disease. Therefore, it has been classified as a Variant of Uncertain Significance.

Literature cited by the submitters: PubMed 17576681; PubMed 9536098.

NM_015978.3(TNNI3K):c.827+3_827+6del

Genes: FPGT-TNNI3K (FPGT-TNNI3K readthrough; plus strand), TNNI3K (TNNI3 interacting kinase; plus strand). Cytogenetic location: 1p31.1.
Variant type: Deletion.
Coding change: c.827+3_827+6del on transcript NM_015978.3 (MANE Select); bases 3 to 6 of the intron after coding-DNA position 827, 4 bases deleted (GAGT; older notation c.827+3_827+6delGAGT).
Molecular consequence: splice donor variant.
Genome position (GRCh38, 1-based): chr1:74,342,989-74,342,992, GAGT deleted; deleting any 4 consecutive bases within chr1:74,342,987-74,342,992 gives the same sequence; the c. name uses the placement nearest the transcript's 3' end. VCF-style (leftmost placement, unchanged base first): chr1-74342986-TGTGA-T. GRCh37 (hg19) VCF-style: chr1-74808670-TGTGA-T.
Other names: c.1130+3_1130+6del (NM_001112808.3, NM_001199327.2).
Identifiers: ClinVar variation 3682506 (VCV003682506.2).